The following is an entry in ClinVar:

ClinVar aggregate classification (germline): Uncertain significance (1 of 4 stars; one submission).

Conditions:
Dilated cardiomyopathy 1KK (CMD1KK). Identifiers: Orphanet 154, Orphanet 75249, MedGen C3714995, MONDO:0014100, OMIM 615248.

Allele frequency attached by ClinVar (database versions not stated): gnomAD exomes below 0.00001.
gnomAD v4.1: 1 of 1,613,462 alleles (0.000062%); highest among the groups gnomAD compares: Non-Finnish European, 0.000085%; no homozygotes.

Submission:

Labcorp Genetics (formerly Invitae), Labcorp
Classification: Uncertain significance for Dilated cardiomyopathy 1KK. Last evaluated: 2023-08-17. Review status: criteria provided, single submitter. Criteria: Invitae Variant Classification Sherloc (09022015). Collection method: clinical testing. Allele origin: germline.
Comment: In summary, the available evidence is currently insufficient to determine the role of this variant in disease. Therefore, it has been classified as a Variant of Uncertain Significance. Variants that disrupt the consensus splice site are a relatively common cause of aberrant splicing (PMID: 17576681, 9536098). Algorithms developed to predict the effect of sequence changes on RNA splicing suggest that this variant may disrupt the consensus splice site. ClinVar contains an entry for this variant (Variation ID: 2101655). This variant has not been reported in the literature in individuals affected with MYPN-related conditions. This variant is not present in population databases (gnomAD no frequency). This sequence change falls in intron 16 of the MYPN gene. It does not directly change the encoded amino acid sequence of the MYPN protein. It affects a nucleotide within the consensus splice site.

Literature cited by the submitters: PubMed 17576681; PubMed 9536098.

NM_032578.4(MYPN):c.3285+3A>G

Gene: MYPN (myopalladin; plus strand). Cytogenetic location: 10q21.3.
Variant type: single nucleotide variant.
Coding change: c.3285+3A>G on transcript NM_032578.4 (MANE Select); 3 bases into the intron after coding-DNA position 3285, A replaced by G.
Molecular consequence: intron variant.
Genome position (GRCh38, 1-based): chr10:68,197,481, A>G. VCF-style: chr10-68197481-A-G. GRCh37 (hg19) VCF-style: chr10-69957238-A-G.
Other names: c.3285+3A>G (NM_001256267.2); c.2403+3A>G (NM_001256268.2).
Identifiers: ClinVar variation 2101655 (VCV002101655.4), dbSNP rs2495951968, ClinGen allele CA2580081809.